The following is an entry in ClinVar:

NM_001159699.2(FHL1):c.53C>T (p.Ala18Val)

Gene: FHL1 (four and a half LIM domains 1; plus strand). Cytogenetic location: Xq26.3.
Variant type: single nucleotide variant.
Coding change: c.53C>T on transcript NM_001159699.2 (MANE Select); coding-DNA position 53, C replaced by T.
Protein change: p.Ala18Val; replaces alanine 18 with valine.
Molecular consequence: missense variant. On other transcripts: non-coding transcript variant (1).
Genome position (GRCh38, 1-based): chrX:136,206,437, C>T. VCF-style: chrX-136206437-C-T. GRCh37 (hg19) VCF-style: chrX-135288596-C-T.
Other names: c.5C>T, p.Ala2Val (NM_001159700.2, NM_001159702.3, NM_001159703.2 and 9 more transcripts); c.92C>T, p.Ala31Val (NM_001159701.2); c.53C>T, p.Ala18Val (NM_001330659.2); short protein forms A2V, A18V, A31V.
Identifiers: ClinVar variation 289087 (VCV000289087.21), dbSNP rs146125558, ClinGen allele CA10524948.

ClinVar aggregate classification (germline): Conflicting classifications of pathogenicity. Review status: criteria provided, conflicting classifications (1 of 4 stars). 5 submissions from 5 submitters: Uncertain significance (3); Likely benign (2). Last evaluated 2025-12-21.

Conditions:
Cardiovascular phenotype. Identifiers: MedGen CN230736.
X-linked myopathy with postural muscle atrophy. Also called: FHL1-Related Emery-Dreifuss Muscular Dystrophy, X-Linked. Identifiers: Orphanet 178461, MedGen C2678055, MONDO:0010401, OMIM 300696.

Allele frequency attached by ClinVar (database versions not stated): ExAC 0.00002; gnomAD exomes 0.00002 and 0.00003; gnomAD 0.00005; TOPMed 0.00008; ESP Exome Variant Server 0.00028.
gnomAD v4.1: 29 of 1,210,710 alleles (0.0024%); highest among the groups gnomAD compares: Non-Finnish European, 0.0028%; no homozygotes.

Submissions (5):

Labcorp Genetics (formerly Invitae), Labcorp
Classification: Uncertain significance for X-linked myopathy with postural muscle atrophy. Last evaluated: 2025-12-21. Review status: criteria provided, single submitter. Criteria: Invitae Variant Classification Sherloc (09022015). Collection method: clinical testing. Allele origin: germline.
Comment: This sequence change replaces alanine, which is neutral and non-polar, with valine, which is neutral and non-polar, at codon 2 of the FHL1 protein (p.Ala2Val). This variant is present in population databases (rs146125558, gnomAD 0.006%). This variant has not been reported in the literature in individuals affected with FHL1-related conditions. ClinVar contains an entry for this variant (Variation ID: 289087). An algorithm developed to predict the effect of missense changes on protein structure and function (PolyPhen-2) suggests that this variant is likely to be tolerated. In summary, the available evidence is currently insufficient to determine the role of this variant in disease. Therefore, it has been classified as a Variant of Uncertain Significance.

Women's Health and Genetics/Laboratory Corporation of America, LabCorp
Classification: Uncertain significance. Last evaluated: 2025-11-06. Review status: criteria provided, single submitter. Criteria: LabCorp Variant Classification Summary - May 2015. Collection method: clinical testing. Allele origin: germline.
Comment: Variant summary: FHL1 c.5C>T (p.Ala2Val) results in a non-conservative amino acid change in the encoded protein sequence. Algorithms developed to predict the effect of missense changes on protein structure and function are either unavailable or do not agree on the potential impact of this missense change. The variant allele was found at a frequency of 3.3e-05 in 183451 control chromosomes. The available data on variant occurrences in the general population are insufficient to allow any conclusion about variant significance. To our knowledge, no occurrence of c.5C>T in individuals affected with FHL1-related conditions and no experimental evidence demonstrating its impact on protein function have been reported. ClinVar contains an entry for this variant (Variation ID: 289087). Based on the evidence outlined above, the variant was classified as uncertain significance.

Ambry Genetics
Classification: Likely benign for Cardiovascular phenotype. Last evaluated: 2025-04-07. Review status: criteria provided, single submitter. Criteria: Ambry Variant Classification Scheme 2023. Collection method: clinical testing. Allele origin: germline.

GeneDx
Classification: Likely benign. Last evaluated: 2021-05-04. Review status: criteria provided, single submitter. Criteria: GeneDx Variant Classification Process June 2021. Collection method: clinical testing. Allele origin: germline. Affected: yes.
Comment: Has not been previously published as pathogenic or benign to our knowledge

Eurofins Ntd Llc (ga)
Classification: Uncertain significance. Last evaluated: 2018-01-02. Review status: criteria provided, single submitter. Criteria: EGL Classification Definitions 2015. Collection method: clinical testing. Allele origin: germline. Observed: 5 variant alleles, 2 heterozygotes, 3 hemizygotes.